The following is an entry in ClinVar:

NM_015335.5(MED13L):c.1516C>T (p.Gln506Ter)

Gene: MED13L (mediator complex subunit 13L; minus strand). Cytogenetic location: 12q24.21.
Variant type: single nucleotide variant.
Coding change: c.1516C>T on transcript NM_015335.5 (MANE Select); coding-DNA position 1516, C replaced by T.
Protein change: p.Gln506Ter; replaces glutamine 506 with a stop codon.
Molecular consequence: nonsense.
Genome position (GRCh38, 1-based): chr12:116,008,897, G>A on the plus strand (C>T on the coding strand, the complement: MED13L is on the minus strand). VCF-style: chr12-116008897-G-A. GRCh37 (hg19) VCF-style: chr12-116446702-G-A.
Other names: short protein forms Q506*.
Identifiers: ClinVar variation 1199185 (VCV001199185.4), dbSNP rs2137385850, ClinGen allele CA386896188.
Genomic context (GRCh38, chr12:116,008,897, plus strand): 5'-CATATTTCCTACTGCTAGACACCTCTAAGGAGGAGTCTATCCCTGCCAACCCTAGTTTCT[G>A]TCCTGGTGTATCTTGCTCCATGCATAATTCTTCGGCCACAGAGGGCCTATGGTGAAATGG-3'

ClinVar aggregate classification (germline): Pathogenic (1 of 4 stars; one submission).

Conditions:
MED13L-related neurodevelopmental disorder.

Submission:

Illumina Laboratory Services, Illumina
Classification: Pathogenic for MED13L-related neurodevelopmental disorder. Last evaluated: 2021-03-23. Review status: criteria provided, single submitter. Criteria: ICSLVariantClassificationCriteria RUGD 01 April 2020. Collection method: clinical testing. Allele origin: unknown.
Comment: The MED13L c.1516C>T (p.Gln506Ter) variant is a stop-gained variant that is predicted to result in a premature termination or absence of the protein. A literature search was performed for the gene, cDNA change, and amino acid change. No publications were found based on this search. This variant is not found in the Genome Aggregation Database in a region of good sequencing coverage, so the variant is presumed to be rare. Based on the predicted truncating nature of the variant, its rarity, and identification in a de novo state, the p.Gln506Ter variant is classified as pathogenic for MED13L-related neurodevelopmental disorder.